The following is an entry in ClinVar:

ClinVar aggregate classification (germline): Pathogenic. Review status: reviewed by expert panel (3 of 4 stars). 5 submissions from 5 submitters: Pathogenic (1). 4 of the submissions do not count toward it. Last evaluated 2017-12-15.

Conditions:
Breast-ovarian cancer, familial, susceptibility to, 1 (BROVCA1). Also called: BRCA1 Hereditary Breast and Ovarian Cancer; OVARIAN CANCER, SUSCEPTIBILITY TO. Identifiers: Orphanet 145, MedGen C2676676, MONDO:0011450, OMIM 604370. Disease mechanism: loss of function.
Hereditary cancer-predisposing syndrome. Also called: Neoplastic Syndromes, Hereditary; Hereditary neoplastic syndrome; Hereditary Cancer Syndrome; Tumor predisposition. Identifiers: Orphanet 140162, MedGen C0027672, MeSH D009386, MONDO:0015356.
Hereditary breast ovarian cancer syndrome. Also called: Hereditary breast and ovarian cancer syndrome; Breast and ovarian cancer; Hereditary breast and ovarian cancer syndrome (HBOC); Hereditary breast and/or ovarian cancer syndrome; BRCA1- and BRCA2-Associated Hereditary Breast and Ovarian Cancer; Hereditary breast and ovarian cancer. Identifiers: Orphanet 145, MedGen C0677776, MeSH D061325, MONDO:0003582. Disease mechanism: loss of function.
Ovarian neoplasm. Also called: Ovarian tumor; Ovarian Neoplasms; Neoplasm of ovary. Identifiers: MedGen C0919267, MeSH D010051, MONDO:0021068, HP:0100615.

Submissions (5):

Evidence-based Network for the Interpretation of Germline Mutant Alleles (ENIGMA)
Classification: Pathogenic for Breast-ovarian cancer, familial, susceptibility to, 1. Last evaluated: 2017-12-15. Review status: reviewed by expert panel. Criteria: ENIGMA BRCA1/2 Classification Criteria (2017-06-29). Collection method: curation. Allele origin: germline. Study: ENIGMA.
Comment: Variant allele predicted to encode a truncated non-functional protein.

Ambry Genetics
Classification: Pathogenic for Hereditary cancer-predisposing syndrome. Last evaluated: 2025-07-22. Review status: criteria provided, single submitter. Criteria: Ambry Variant Classification Scheme 2023. Collection method: clinical testing. Allele origin: germline. Not counted in ClinVar's aggregate classification.
Comment: The c.2209delA pathogenic mutation, located in coding exon 9 of the BRCA1 gene, results from a deletion of one nucleotide at nucleotide position 2209, causing a translational frameshift with a predicted alternate stop codon (p.T737Qfs*16). This alteration is expected to result in loss of function by premature protein truncation or nonsense-mediated mRNA decay. As such, this alteration is interpreted as a disease-causing mutation.

Labcorp Genetics (formerly Invitae), Labcorp
Classification: Pathogenic for Hereditary breast ovarian cancer syndrome. Last evaluated: 2024-04-22. Review status: criteria provided, single submitter. Criteria: Invitae Variant Classification Sherloc (09022015). Collection method: clinical testing. Allele origin: germline. Not counted in ClinVar's aggregate classification.
Comment: This sequence change creates a premature translational stop signal (p.Thr737Glnfs*16) in the BRCA1 gene. It is expected to result in an absent or disrupted protein product. Loss-of-function variants in BRCA1 are known to be pathogenic (PMID: 20104584). This variant is not present in population databases (gnomAD no frequency). This variant has not been reported in the literature in individuals affected with BRCA1-related conditions. ClinVar contains an entry for this variant (Variation ID: 409310). For these reasons, this variant has been classified as Pathogenic.

GeneDx
Classification: Pathogenic. Last evaluated: 2018-02-15. Review status: criteria provided, single submitter. Criteria: GeneDx Variant Classification (06012015). Collection method: clinical testing. Allele origin: germline. Affected: yes. Not counted in ClinVar's aggregate classification.
Comment: This deletion of one nucleotide in BRCA1 is denoted c.2209delA at the cDNA level and p.Thr737GlnfsX16 (T737QfsX16) at the protein level. The normal sequence, with the base that is deleted in brackets, is AGAA[delA]CAGT. The deletion causes a frameshift which changes a Threonine to a Glutamine at codon 737, and creates a premature stop codon at position 16 of the new reading frame. Although this variant has not, to our knowledge, been reported in the literature, it is predicted to cause loss of normal protein function through either protein truncation or nonsense-mediated mRNA decay. We consider this variant to be pathogenic.

German Consortium for Hereditary Breast and Ovarian Cancer, University Hospital Cologne
Classification: Pathogenic for Ovarian neoplasm. Last evaluated: 2018-12-01. Review status: no assertion criteria provided. Collection method: research. Allele origin: somatic. Affected: yes. Not counted in ClinVar's aggregate classification.

Literature cited by the submitters: PubMed 20104584 (cited by Labcorp Genetics (formerly Invitae), Labcorp).

NM_007294.4(BRCA1):c.2209del (p.Thr737fs)

Gene: BRCA1 (BRCA1 DNA repair associated; minus strand). Cytogenetic location: 17q21.31.
Variant type: Deletion.
Coding change: c.2209del on transcript NM_007294.4 (MANE Select); coding-DNA position 2209, one base deleted (A; older notation c.2209delA).
Protein change: p.Thr737fs; shifts the reading frame from threonine 737.
Molecular consequence: frameshift variant. On other transcripts: intron variant (137).
Genome position (GRCh38, 1-based): chr17:43,093,322, T deleted on the plus strand (A on the coding strand, the reverse complement: BRCA1 is on the minus strand); the first of 3 consecutive T bases (chr17:43,093,322-43,093,324); deleting any one gives the same sequence. VCF-style (leftmost placement, unchanged base first): chr17-43093321-GT-G. GRCh37 (hg19) VCF-style: chr17-41245338-GT-G.
Other names: c.2209delA (NM_007294.3); c.1996del, p.Thr666fs (NM_001407571.1, NM_001407853.1, NM_001407894.1 and 9 more transcripts); c.2209del, p.Thr737fs (NM_001407581.1, NM_001407598.1, NM_001407602.1 and 30 more transcripts); c.2206del, p.Thr736fs (NM_001407610.1, NM_001407611.1, NM_001407612.1 and 22 more transcripts); c.2200del, p.Thr734fs (NM_001407646.1, NM_001407647.1); c.2086del, p.Thr696fs (NM_001407648.1, NM_001407664.1, NM_001407665.1 and 19 more transcripts); c.2083del, p.Thr695fs (NM_001407649.1, NM_001407670.1, NM_001407671.1 and 11 more transcripts); c.2131del, p.Thr711fs (NM_001407653.1, NM_001407654.1, NM_001407655.1 and 4 more transcripts); and 42 more; short protein forms T690fs, T737fs, T441fs, T609fs, T625fs, T666fs, T695fs, T710fs.
Identifiers: ClinVar variation 409310 (VCV000409310.18), dbSNP rs1060502333, ClinGen allele CA16615369.